The following is an entry in ClinVar:

NM_001127198.5(TMC6):c.2108C>T (p.Ala703Val)

Gene: TMC6 (transmembrane channel like 6; minus strand). Cytogenetic location: 17q25.3.
Variant type: single nucleotide variant.
Coding change: c.2108C>T on transcript NM_001127198.5 (MANE Select); coding-DNA position 2108, C replaced by T.
Protein change: p.Ala703Val; replaces alanine 703 with valine.
Molecular consequence: missense variant. On other transcripts: non-coding transcript variant (4).
Genome position (GRCh38, 1-based): chr17:78,117,558, G>A on the plus strand (C>T on the coding strand, the complement: TMC6 is on the minus strand). VCF-style: chr17-78117558-G-A. GRCh37 (hg19) VCF-style: chr17-76113639-G-A.
Other names: c.2108C>T, p.Ala703Val (NM_001321185.1, NM_001374596.1, NM_001375353.1 and 2 more transcripts); c.1928C>T, p.Ala643Val (NM_001374593.1, NM_001374594.1); short protein forms A703V, A643V.
Identifiers: ClinVar variation 659371 (VCV000659371.10), dbSNP rs774998109, ClinGen allele CA8795427.

ClinVar aggregate classification (germline): Uncertain significance (1 of 4 stars; one submission).

Conditions:
Epidermodysplasia verruciformis. Identifiers: Orphanet 302, MedGen C0014522, MONDO:0009176.

Allele frequency attached by ClinVar (database versions not stated): gnomAD exomes 0.00001 and 0.00002; gnomAD 0.00002; TOPMed 0.00002; ExAC 0.00004.
gnomAD v4.1: 16 of 1,594,878 alleles (0.001%); highest among the groups gnomAD compares: East Asian, 0.0045%; no homozygotes.

Submission:

Labcorp Genetics (formerly Invitae), Labcorp
Classification: Uncertain significance for Epidermodysplasia verruciformis. Last evaluated: 2022-08-23. Review status: criteria provided, single submitter. Criteria: Invitae Variant Classification Sherloc (09022015). Collection method: clinical testing. Allele origin: germline.
Comment: This sequence change replaces alanine, which is neutral and non-polar, with valine, which is neutral and non-polar, at codon 703 of the TMC6 protein (p.Ala703Val). The frequency data for this variant in the population databases is considered unreliable, as metrics indicate poor data quality at this position in the gnomAD database. This variant has not been reported in the literature in individuals affected with TMC6-related conditions. ClinVar contains an entry for this variant (Variation ID: 659371). Algorithms developed to predict the effect of missense changes on protein structure and function are either unavailable or do not agree on the potential impact of this missense change (SIFT: "Not Available"; PolyPhen-2: "Benign"; Align-GVGD: "Not Available"). In summary, the available evidence is currently insufficient to determine the role of this variant in disease. Therefore, it has been classified as a Variant of Uncertain Significance.